The following is an entry in ClinVar:

NM_001370259.2(MEN1):c.1740G>C (p.Thr580=)

Gene: MEN1 (menin 1; minus strand). Cytogenetic location: 11q13.1.
Variant type: single nucleotide variant.
Coding change: c.1740G>C on transcript NM_001370259.2 (MANE Select); coding-DNA position 1740, G replaced by C.
Protein change: p.Thr580=; no amino-acid change (threonine 580 retained).
Molecular consequence: synonymous variant.
Genome position (GRCh38, 1-based): chr11:64,804,427, C>G on the plus strand (G>C on the coding strand, the complement: MEN1 is on the minus strand). VCF-style: chr11-64804427-C-G. GRCh37 (hg19) VCF-style: chr11-64571899-C-G.
Other names: c.1755G>C, p.Thr585= (NM_000244.4, NM_130800.3, NM_130801.3 and 3 more transcripts); c.1866G>C, p.Thr622= (NM_001370251.2); c.1740G>C, p.Thr580= (NM_001370260.2, NM_001370261.2, NM_130799.3); c.1635G>C, p.Thr545= (NM_001370262.2, NM_001370263.2).
Identifiers: ClinVar variation 428074 (VCV000428074.15), dbSNP rs1114167530, ClinGen allele CA475163136.

ClinVar aggregate classification (germline): Benign/Likely benign. Review status: criteria provided, multiple submitters, no conflicts (2 of 4 stars). 4 submissions from 4 submitters: Benign (1); Likely benign (3). Last evaluated 2025-11-24.

Conditions:
Hereditary cancer-predisposing syndrome. Also called: Hereditary neoplastic syndrome; Tumor predisposition; Neoplastic Syndromes, Hereditary; Hereditary Cancer Syndrome. Identifiers: Orphanet 140162, MedGen C0027672, MeSH D009386, MONDO:0015356.
Multiple endocrine neoplasia, type 1 (MEN1). Also called: MEN I; Endocrine adenomatosis multiple; MEN 1; WERMER SYNDROME; MEA I. Identifiers: Orphanet 652, MedGen C0025267, MeSH D018761, MONDO:0007540, OMIM 131100.

Allele frequency attached by ClinVar (database versions not stated): TOPMed below 0.00001; gnomAD 0.00003.
gnomAD v4.1: 7 of 1,614,176 alleles (0.00043%); highest among the groups gnomAD compares: Middle Eastern, 0.049%; no homozygotes.

Submissions (4):

Labcorp Genetics (formerly Invitae), Labcorp
Classification: Likely benign for Multiple endocrine neoplasia, type 1. Last evaluated: 2025-11-24. Review status: criteria provided, single submitter. Criteria: Invitae Variant Classification Sherloc (09022015). Collection method: clinical testing. Allele origin: germline.

Myriad Genetics, Inc.
Classification: Benign for Multiple endocrine neoplasia, type 1. Last evaluated: 2024-11-05. Review status: criteria provided, single submitter. Criteria: Myriad Autosomal Dominant, Autosomal Recessive and X-Linked Classification Criteria (2023). Collection method: clinical testing. Allele origin: unknown.
Comment: This variant is considered benign. This variant is a silent/synonymous amino acid change and it is not expected to impact splicing.

Ambry Genetics
Classification: Likely benign for Hereditary cancer-predisposing syndrome. Last evaluated: 2016-02-25. Review status: criteria provided, single submitter. Criteria: Ambry Variant Classification Scheme 2023. Collection method: clinical testing. Allele origin: germline.

Breakthrough Genomics
Classification: Likely benign. Review status: criteria provided, single submitter. Criteria: ACMG Guidelines, 2015. Collection method: not provided. Allele origin: germline. Inheritance: Autosomal dominant inheritance. Affected: yes.